The following is an entry in ClinVar:

NM_014915.3(ANKRD26):c.4424T>A (p.Val1475Asp)

Gene: ANKRD26 (ankyrin repeat domain 26; minus strand). Cytogenetic location: 10p12.1.
Variant type: single nucleotide variant.
Coding change: c.4424T>A on transcript NM_014915.3 (MANE Select); coding-DNA position 4424, T replaced by A.
Protein change: p.Val1475Asp; replaces valine 1475 with aspartic acid.
Molecular consequence: missense variant.
Genome position (GRCh38, 1-based): chr10:27,017,584, A>T on the plus strand (T>A on the coding strand, the complement: ANKRD26 is on the minus strand). VCF-style: chr10-27017584-A-T. GRCh37 (hg19) VCF-style: chr10-27306513-A-T.
Other names: c.4421T>A, p.Val1474Asp (NM_001256053.2); short protein forms V1474D, V1475D.
Identifiers: ClinVar variation 4859427 (VCV004859427.1).

ClinVar aggregate classification (germline): Uncertain significance (1 of 4 stars; one submission).

Conditions:
Inborn genetic diseases. Identifiers: MedGen C0950123, MeSH D030342.

Submission:

Ambry Genetics
Classification: Uncertain significance for Inborn genetic diseases. Last evaluated: 2026-04-20. Review status: criteria provided, single submitter. Criteria: Ambry Variant Classification Scheme 2023. Collection method: clinical testing. Allele origin: germline.
Comment: The p.V1475D variant (also known as c.4424T>A), located in coding exon 30 of the ANKRD26 gene, results from a T to A substitution at nucleotide position 4424. The valine at codon 1475 is replaced by aspartic acid, an amino acid with highly dissimilar properties. This amino acid position is conserved. In addition, this alteration is predicted to be tolerated by in silico analysis. Based on the available evidence, the clinical significance of this variant remains unclear.